The following is an entry in ClinVar:

ClinVar aggregate classification (germline): Uncertain significance (1 of 4 stars; one submission).

Conditions:
Hereditary cancer-predisposing syndrome. Also called: Neoplastic Syndromes, Hereditary; Tumor predisposition; Hereditary Cancer Syndrome; Hereditary neoplastic syndrome. Identifiers: Orphanet 140162, MedGen C0027672, MeSH D009386, MONDO:0015356.

Submission:

Ambry Genetics
Classification: Uncertain significance for Hereditary cancer-predisposing syndrome. Last evaluated: 2015-04-25. Review status: criteria provided, single submitter. Criteria: Ambry Autosomal Dominant and X-Linked criteria (10/2015). Collection method: clinical testing. Allele origin: germline. Observed: 1 variant allele.
Comment: The p.T2068I variant (also known as c.6203C>T), located in coding exon 42 of the NF1 gene, results from a C to T substitution at nucleotide position 6203. The threonine at codon 2068 is replaced by isoleucine, an amino acid with similar properties. This variant was not reported in population based cohorts in the following databases: Database of Single Nucleotide Polymorphisms (dbSNP), NHLBI Exome Sequencing Project (ESP), and 1000 Genomes Project. In the ESP, this variant was not observed in 6503 samples (13006 alleles) with coverage at this position. <span style="font-family:arial,sans-serif; font-size:9pt">To date, this alteration has been detected with an allele frequency of approximately 0.002% (greater than 55000 alleles tested) in our clinical cohort. Based on protein <span style="font-family:arial,sans-serif; font-size:9pt">sequence alignment, thisamino acid position is highly conserved in available vertebrate species. In addition, the in silico prediction for this alteration is inconclusive.Since supporting evidence is limited at this time, the clinical significance of p.T2068I remains unclear.

NM_001042492.3(NF1):c.6203C>T (p.Thr2068Ile)

Gene: NF1 (neurofibromin 1; plus strand). Cytogenetic location: 17q11.2.
Variant type: single nucleotide variant.
Coding change: c.6203C>T on transcript NM_001042492.3 (MANE Select); coding-DNA position 6203, C replaced by T.
Protein change: p.Thr2068Ile; replaces threonine 2068 with isoleucine.
Molecular consequence: missense variant.
Genome position (GRCh38, 1-based): chr17:31,336,690, C>T. VCF-style: chr17-31336690-C-T. GRCh37 (hg19) VCF-style: chr17-29663708-C-T.
Other names: c.6140C>T, p.Thr2047Ile (NM_000267.4); short protein forms T2047I, T2068I.
Identifiers: ClinVar variation 231459 (VCV000231459.3), dbSNP rs876659172, ClinGen allele CA10580371.